The following is an entry in ClinVar:

NM_030665.4(RAI1):c.275A>G (p.Gln92Arg)

Gene: RAI1 (retinoic acid induced 1; plus strand). Cytogenetic location: 17p11.2.
Variant type: single nucleotide variant.
Coding change: c.275A>G on transcript NM_030665.4 (MANE Select); coding-DNA position 275, A replaced by G.
Protein change: p.Gln92Arg; replaces glutamine 92 with arginine.
Molecular consequence: missense variant.
Genome position (GRCh38, 1-based): chr17:17,793,223, A>G. VCF-style: chr17-17793223-A-G. GRCh37 (hg19) VCF-style: chr17-17696537-A-G.
Other names: short protein forms Q92R.
Identifiers: ClinVar variation 3653877 (VCV003653877.2).

ClinVar aggregate classification (germline): Uncertain significance (1 of 4 stars; one submission).

gnomAD v4.1: 2 of 1,611,818 alleles (0.00012%); highest among the groups gnomAD compares: Non-Finnish European, 0.00017%; no homozygotes.

Submission:

Labcorp Genetics (formerly Invitae), Labcorp
Classification: Uncertain significance. Last evaluated: 2024-06-02. Review status: criteria provided, single submitter. Criteria: Invitae Variant Classification Sherloc (09022015). Collection method: clinical testing. Allele origin: germline.
Comment: This sequence change replaces glutamine, which is neutral and polar, with arginine, which is basic and polar, at codon 92 of the RAI1 protein (p.Gln92Arg). This variant is present in population databases (no rsID available, gnomAD 0.007%). This variant has not been reported in the literature in individuals affected with RAI1-related conditions. Advanced modeling of protein sequence and biophysical properties (such as structural, functional, and spatial information, amino acid conservation, physicochemical variation, residue mobility, and thermodynamic stability) performed at Invitae indicates that this missense variant is not expected to disrupt RAI1 protein function with a negative predictive value of 80%. In summary, the available evidence is currently insufficient to determine the role of this variant in disease. Therefore, it has been classified as a Variant of Uncertain Significance.